The following continues an entry in ClinVar:

NM_000143.4(FH):c.1431_1433dup (p.Lys477dup)

Gene: FH. ClinVar aggregate classification (germline): Conflicting classifications of pathogenicity. Pathogenic (9); Likely pathogenic (16); Uncertain significance (7).

Literature cited by the submitters, continued: PubMed 16151915 (cited by 7 submitters); PubMed 25985877 (cited by 5 submitters); PubMed 27541980 (cited by 4 submitters); PubMed 24182348 (cited by 7 submitters); PubMed 16639410 (cited by 5 submitters); PubMed 31444830 (cited by 6 submitters); PubMed 32782288 (cited by Women's Health and Genetics/Laboratory Corporation of America, LabCorp and Quest Diagnostics Nichols Institute San Juan Capistrano); PubMed 31794323 (cited by Women's Health and Genetics/Laboratory Corporation of America, LabCorp and Quest Diagnostics Nichols Institute San Juan Capistrano); PubMed 34337822 (cited by 4 submitters); PubMed 35993574 (cited by Women's Health and Genetics/Laboratory Corporation of America, LabCorp); PubMed 9300800 (cited by 5 submitters); PubMed 32999401 (cited by Natera, Inc. and Quest Diagnostics Nichols Institute San Juan Capistrano); PubMed 21560188 (cited by 4 submitters); PubMed 20549362 (cited by Mayo Clinic Laboratories, Mayo Clinic); PubMed 28825054 (cited by 3 submitters); PubMed 29506128 (cited by Mayo Clinic Laboratories, Mayo Clinic); PubMed 3042650 (cited by Mayo Clinic Laboratories, Mayo Clinic); PubMed 33052056 (cited by Mayo Clinic Laboratories, Mayo Clinic and Quest Diagnostics Nichols Institute San Juan Capistrano); PubMed 34724198 (cited by Mayo Clinic Laboratories, Mayo Clinic); PubMed 35844283 (cited by Mayo Clinic Laboratories, Mayo Clinic); PubMed 34308104 (cited by Quest Diagnostics Nichols Institute San Juan Capistrano); PubMed 36315513 (cited by Quest Diagnostics Nichols Institute San Juan Capistrano); PubMed 35626031 (cited by Quest Diagnostics Nichols Institute San Juan Capistrano); PubMed 35441217 (cited by Quest Diagnostics Nichols Institute San Juan Capistrano); PubMed 31831373 (cited by Quest Diagnostics Nichols Institute San Juan Capistrano and Ambry Genetics); PubMed 28300276 (cited by Quest Diagnostics Nichols Institute San Juan Capistrano); PubMed 29423582 (cited by Quest Diagnostics Nichols Institute San Juan Capistrano); PubMed 12772087 (cited by Quest Diagnostics Nichols Institute San Juan Capistrano); PubMed 23211287 (cited by Quest Diagnostics Nichols Institute San Juan Capistrano); PubMed 28873162 (cited by Quest Diagnostics Nichols Institute San Juan Capistrano); PubMed 18313410 (cited by Quest Diagnostics Nichols Institute San Juan Capistrano and Ambry Genetics); PubMed 11865300 (cited by Quest Diagnostics Nichols Institute San Juan Capistrano); PubMed 2314594 (cited by Quest Diagnostics Nichols Institute San Juan Capistrano and Ambry Genetics); PubMed 33166576 (cited by Quest Diagnostics Nichols Institute San Juan Capistrano); PubMed 33789101 (cited by Quest Diagnostics Nichols Institute San Juan Capistrano); PubMed 32012241 (cited by Quest Diagnostics Nichols Institute San Juan Capistrano); PubMed 33439686 (cited by Quest Diagnostics Nichols Institute San Juan Capistrano); PubMed 33927380 (cited by Quest Diagnostics Nichols Institute San Juan Capistrano); PubMed 33858029 (cited by Quest Diagnostics Nichols Institute San Juan Capistrano); PubMed 38703036 (cited by Service de Génétique Médicale, Centre Hospitalier Universitaire de Nice-Université Côte d'Azur); PubMed 29893455 (cited by Ambry Genetics); PubMed 20301679 (cited by GeneReviews); NCBI Bookshelf NBK1506 (cited by GeneReviews).